The following is an entry in ClinVar:

NM_000152.5(GAA):c.2619C>G (p.Tyr873Ter)

Gene: GAA (alpha glucosidase; plus strand). Cytogenetic location: 17q25.3.
Variant type: single nucleotide variant.
Coding change: c.2619C>G on transcript NM_000152.5 (MANE Select); coding-DNA position 2619, C replaced by G.
Protein change: p.Tyr873Ter; replaces tyrosine 873 with a stop codon.
Molecular consequence: nonsense.
Genome position (GRCh38, 1-based): chr17:80,118,330, C>G. VCF-style: chr17-80118330-C-G. GRCh37 (hg19) VCF-style: chr17-78092129-C-G.
Other names: c.2619C>G, p.Tyr873Ter (NM_001079803.3, NM_001079804.3, NM_001406741.1 and 1 more transcripts); short protein forms Y873*.
Identifiers: ClinVar variation 2419147 (VCV002419147.8), dbSNP rs1555603132, ClinGen allele CA401326389.
Genomic context (GRCh38, chr17:80,118,330, plus strand): 5'-CCGAGGGGAGCTGTTCTGGGACGATGGAGAGAGCCTGGAAGTGCTGGAGCGAGGGGCCTA[C>G]ACACAGGTCATCTTCCTGGCCAGGAATGTGAGTCCTGGGGCTGCTCAGGCTGGTGGGCAG-3'

ClinVar aggregate classification (germline): Pathogenic. Review status: criteria provided, multiple submitters, no conflicts (2 of 4 stars). 2 submissions from 2 submitters: Pathogenic (2). Last evaluated 2026-07-01.

Conditions:
Glycogen storage disease, type II (IOPD). Also called: CARDIOMEGALIA GLYCOGENICA DIFFUSA; GLYCOGENOSIS, GENERALIZED, CARDIAC FORM; GSD II; Glycogen storage disease type 2; Acid maltase deficiency disease; Aglucosidase alfa. Identifiers: Orphanet 365, MedGen C0017921, MONDO:0009290, OMIM 232300.

Submissions (2):

Genomenon, Inc
Classification: Pathogenic for Glycogen storage disease, type II. Last evaluated: 2026-07-01. Review status: criteria provided, single submitter. Criteria: Genomenon Sequence Variant Interpretation Standards - Updated. Collection method: curation. Allele origin: germline. Affected: yes.
Comment: GAA p.Tyr873Ter (c.2619C>G) is a nonsense variant that introduces a premature stop codon at amino acid position 873 and is predicted to result in a truncated or absent protein product. This variant has been observed in at least one proband with a GAA-related disorder (PMID:23417379). It is absent or not present at a significant frequency in gnomAD. In conclusion, we classify GAA p.Tyr873Ter (c.2619C>G) as a pathogenic variant.

Labcorp Genetics (formerly Invitae), Labcorp
Classification: Pathogenic for Glycogen storage disease, type II. Last evaluated: 2022-01-06. Review status: criteria provided, single submitter. Criteria: Invitae Variant Classification Sherloc (09022015). Collection method: clinical testing. Allele origin: germline.
Comment: For these reasons, this variant has been classified as Pathogenic. This premature translational stop signal has been observed in individual(s) with GAA-related conditions (PMID: 23417379). This variant is not present in population databases (gnomAD no frequency). This sequence change creates a premature translational stop signal (p.Tyr873*) in the GAA gene. It is expected to result in an absent or disrupted protein product. Loss-of-function variants in GAA are known to be pathogenic (PMID: 18425781, 22252923).

Literature cited by the submitters: PubMed 23417379 (cited by Genomenon, Inc and Labcorp Genetics (formerly Invitae), Labcorp); PubMed 18425781 (cited by Labcorp Genetics (formerly Invitae), Labcorp); PubMed 22252923 (cited by Labcorp Genetics (formerly Invitae), Labcorp).